The following is an entry in ClinVar:

ClinVar aggregate classification (germline): Benign (0 of 4 stars; one submission).

Conditions:
NAV2-related disorder. Also called: NAV2-related condition.

Allele frequency attached by ClinVar (database versions not stated): ExAC 0.00184; TOPMed 0.00605; 1000 Genomes Project 30x 0.00640; 1000 Genomes Project 0.00679; ESP Exome Variant Server 0.00739.
gnomAD v4.1: 1,560 of 1,613,716 alleles (0.097%); highest among the groups gnomAD compares: African/African-American, 1.8%; 22 homozygotes.

Submission:

PreventionGenetics, part of Exact Sciences
Classification: Benign for NAV2-related condition. Last evaluated: 2019-11-25. Review status: no assertion criteria provided. Collection method: clinical testing. Allele origin: germline.
Comment: This variant is classified as benign based on ACMG/AMP sequence variant interpretation guidelines (Richards et al. 2015 PMID: 25741868, with internal and published modifications).

NM_145117.5(NAV2):c.170C>G (p.Pro57Arg)

Genes: LEISA1 (lncRNA enhancing IL-6/STAT3 signaling activation 1; minus strand), NAV2 (neuron navigator 2; plus strand). Cytogenetic location: 11p15.1.
Variant type: single nucleotide variant.
Coding change: c.170C>G on transcript NM_145117.5 (MANE Select); coding-DNA position 170, C replaced by G.
Protein change: p.Pro57Arg; replaces proline 57 with arginine.
Molecular consequence: missense variant. On other transcripts: non-coding transcript variant (1), intron variant (1).
Genome position (GRCh38, 1-based): chr11:19,713,865, C>G. VCF-style: chr11-19713865-C-G. GRCh37 (hg19) VCF-style: chr11-19735411-C-G.
Other names: c.170C>G, p.Pro57Arg (NM_001244963.2, NM_182964.6); c.76-118619C>G (NM_001111018.2); short protein forms P57R.
Identifiers: ClinVar variation 3040987 (VCV003040987.2), dbSNP rs141966195, ClinGen allele CA5917425.
Genomic context (GRCh38, chr11:19,713,865, plus strand): 5'-GCTACCTGAAGTTGGGAAGCAAGGTGGAGGTGAGCAAGACCACCTATCCTAGCCAGATCC[C>G]CCTGAAATCGCAGGTGCTGCAGGGGCTGCAGGAGCCAGCGGGGGAGGGGCTCCCGCTGCG-3'
Protein context (NP_660093.2, residues 47-67): VSKTTYPSQI[Pro57Arg]LKSQVLQGLQ